The following is an entry in ClinVar:

ClinVar aggregate classification (germline): Conflicting classifications of pathogenicity. Review status: criteria provided, conflicting classifications (1 of 4 stars). 4 submissions from 4 submitters: Uncertain significance (2); Likely benign (1). 1 of the submissions does not count toward it. Last evaluated 2024-03-06.

Conditions:
Hereditary cancer-predisposing syndrome. Also called: Tumor predisposition; Hereditary Cancer Syndrome; Neoplastic Syndromes, Hereditary; Hereditary neoplastic syndrome. Identifiers: Orphanet 140162, MedGen C0027672, MeSH D009386, MONDO:0015356.
Ataxia-telangiectasia syndrome (AT). Also called: Cerebello-oculocutaneous telangiectasia; Immunodeficiency with ataxia telangiectasia; Ataxia-telangiectasia, complementation group D; AT, COMPLEMENTATION GROUP C; Ataxia-telangiectasia, complementation group E; LOUIS-BAR SYNDROME. Identifiers: Orphanet 100, MedGen C0004135, MONDO:0008840, OMIM 208900.

Allele frequency attached by ClinVar (database versions not stated): gnomAD exomes below 0.00001.
gnomAD v4.1: 1 of 1,613,970 alleles (0.000062%); highest among the groups gnomAD compares: South Asian, 0.0011%; no homozygotes.

Submissions (4):

Color Diagnostics, LLC DBA Color Health
Classification: Uncertain significance for Hereditary cancer-predisposing syndrome. Last evaluated: 2024-03-06. Review status: criteria provided, single submitter. Criteria: ACMG Guidelines, 2015. Collection method: clinical testing. Allele origin: germline.
Comment: This missense variant replaces phenylalanine with cysteine at codon 336 of the ATM protein. Computational prediction suggests that this variant may not impact protein structure and function (internally defined REVEL score threshold <= 0.5, PMID: 27666373). To our knowledge, functional studies have not been reported for this variant. This variant has not been reported in individuals affected with hereditary cancer in the literature. This variant has not been identified in the general population by the Genome Aggregation Database (gnomAD). The available evidence is insufficient to determine the role of this variant in disease conclusively. Therefore, this variant is classified as a Variant of Uncertain Significance.

Ambry Genetics
Classification: Likely benign for Hereditary cancer-predisposing syndrome. Last evaluated: 2024-01-02. Review status: criteria provided, single submitter. Criteria: Ambry Variant Classification Scheme 2023. Collection method: clinical testing. Allele origin: germline.

Labcorp Genetics (formerly Invitae), Labcorp
Classification: Uncertain significance for Ataxia-telangiectasia syndrome. Last evaluated: 2022-10-17. Review status: criteria provided, single submitter. Criteria: Invitae Variant Classification Sherloc (09022015). Collection method: clinical testing. Allele origin: germline.
Comment: This sequence change replaces phenylalanine, which is neutral and non-polar, with cysteine, which is neutral and slightly polar, at codon 336 of the ATM protein (p.Phe336Cys). This variant is not present in population databases (gnomAD no frequency). This variant has not been reported in the literature in individuals affected with ATM-related conditions. ClinVar contains an entry for this variant (Variation ID: 453348). Algorithms developed to predict the effect of missense changes on protein structure and function output the following: SIFT: "Tolerated"; PolyPhen-2: "Benign"; Align-GVGD: "Class C0". The cysteine amino acid residue is found in multiple mammalian species, which suggests that this missense change does not adversely affect protein function. In summary, the available evidence is currently insufficient to determine the role of this variant in disease. Therefore, it has been classified as a Variant of Uncertain Significance.

Natera, Inc.
Classification: Uncertain significance for Ataxia-telangiectasia. Last evaluated: 2021-08-17. Review status: no assertion criteria provided. Collection method: clinical testing. Allele origin: germline. Not counted in ClinVar's aggregate classification.

NM_000051.4(ATM):c.1007T>G (p.Phe336Cys)

Gene: ATM (ATM serine/threonine kinase; plus strand). Cytogenetic location: 11q22.3.
Variant type: single nucleotide variant.
Coding change: c.1007T>G on transcript NM_000051.4 (MANE Select); coding-DNA position 1007, T replaced by G.
Protein change: p.Phe336Cys; replaces phenylalanine 336 with cysteine.
Molecular consequence: missense variant.
Genome position (GRCh38, 1-based): chr11:108,247,069, T>G. VCF-style: chr11-108247069-T-G. GRCh37 (hg19) VCF-style: chr11-108117796-T-G.
Other names: c.1007T>G, p.Phe336Cys (NM_001351834.2); short protein forms F336C.
Identifiers: ClinVar variation 453348 (VCV000453348.9), dbSNP rs1018587967, ClinGen allele CA228386405.